The following is an entry in ClinVar:

NM_001142966.3(GREB1L):c.907T>A (p.Tyr303Asn)

Genes: GREB1L (GREB1 like retinoic acid receptor coactivator; plus strand), GREB1L-AS1 (GREB1L antisense RNA 1; minus strand). Cytogenetic location: 18q11.1.
Variant type: single nucleotide variant.
Coding change: c.907T>A on transcript NM_001142966.3 (MANE Select); coding-DNA position 907, T replaced by A.
Protein change: p.Tyr303Asn; replaces tyrosine 303 with asparagine.
Molecular consequence: missense variant.
Genome position (GRCh38, 1-based): chr18:21,439,595, T>A. VCF-style: chr18-21439595-T-A. GRCh37 (hg19) VCF-style: chr18-19019556-T-A.
Other names: c.1036T>A, p.Tyr346Asn (NM_001410867.1); c.907T>A, p.Tyr303Asn (NM_001410868.1); short protein forms Y303N, Y346N.
Identifiers: ClinVar variation 3700350 (VCV003700350.2).

ClinVar aggregate classification (germline): Uncertain significance (1 of 4 stars; one submission).

Submission:

Labcorp Genetics (formerly Invitae), Labcorp
Classification: Uncertain significance. Last evaluated: 2024-12-13. Review status: criteria provided, single submitter. Criteria: Invitae Variant Classification Sherloc (09022015). Collection method: clinical testing. Allele origin: germline.
Comment: This sequence change replaces tyrosine, which is neutral and polar, with asparagine, which is neutral and polar, at codon 303 of the GREB1L protein (p.Tyr303Asn). This variant is not present in population databases (gnomAD no frequency). This variant has not been reported in the literature in individuals affected with GREB1L-related conditions. An algorithm developed to predict the effect of missense changes on protein structure and function (PolyPhen-2) suggests that this variant is likely to be tolerated. In summary, the available evidence is currently insufficient to determine the role of this variant in disease. Therefore, it has been classified as a Variant of Uncertain Significance.